The following is an entry in ClinVar:

ClinVar aggregate classification (germline): Conflicting classifications of pathogenicity. Review status: criteria provided, conflicting classifications (1 of 4 stars). 3 submissions from 3 submitters: Uncertain significance (2); Benign (1). Last evaluated 2025-06-14.

Conditions:
Neurodevelopmental disorder with epilepsy, cataracts, feeding difficulties, and delayed brain myelination (NECFM). Identifiers: Orphanet 500545, MedGen C4479333, MONDO:0044306, OMIM 617393.

Allele frequency attached by ClinVar (database versions not stated): TOPMed below 0.00001.

Submissions (3):

Labcorp Genetics (formerly Invitae), Labcorp
Classification: Benign. Last evaluated: 2025-06-14. Review status: criteria provided, single submitter. Criteria: Invitae Variant Classification Sherloc (09022015). Collection method: clinical testing. Allele origin: germline.

GeneDx
Classification: Uncertain significance. Last evaluated: 2022-01-07. Review status: criteria provided, single submitter. Criteria: GeneDx Variant Classification Process June 2021. Collection method: clinical testing. Allele origin: germline. Affected: yes.
Comment: Not observed at significant frequency in large population cohorts (gnomAD); In silico analysis supports that this missense variant does not alter protein structure/function; Has not been previously published as pathogenic or benign to our knowledge

Revvity Omics, Revvity
Classification: Uncertain significance for Neurodevelopmental disorder with epilepsy, cataracts, feeding difficulties, and delayed brain myelination. Last evaluated: 2019-03-25. Review status: criteria provided, single submitter. Criteria: ACMG Guidelines, 2015. Collection method: clinical testing. Allele origin: germline.

NM_052876.4(NACC1):c.1010G>A (p.Arg337Gln)

Gene: NACC1 (nucleus accumbens associated 1; plus strand). Cytogenetic location: 19p13.13.
Variant type: single nucleotide variant.
Coding change: c.1010G>A on transcript NM_052876.4 (MANE Select); coding-DNA position 1010, G replaced by A.
Protein change: p.Arg337Gln; replaces arginine 337 with glutamine.
Molecular consequence: missense variant.
Genome position (GRCh38, 1-based): chr19:13,136,295, G>A. VCF-style: chr19-13136295-G-A. GRCh37 (hg19) VCF-style: chr19-13247109-G-A.
Other names: short protein forms R337Q.
Identifiers: ClinVar variation 1695571 (VCV001695571.7), dbSNP rs2019706242, ClinGen allele CA404327312.